The following is an entry in ClinVar:

NM_000426.4(LAMA2):c.8656dup (p.Tyr2886fs)

Gene: LAMA2 (laminin subunit alpha 2; plus strand). Cytogenetic location: 6q22.33.
Variant type: Duplication.
Coding change: c.8656dup on transcript NM_000426.4 (MANE Select); coding-DNA position 8656, one base duplicated (T; older notation c.8656dupT).
Protein change: p.Tyr2886fs; shifts the reading frame from tyrosine 2886.
Molecular consequence: frameshift variant.
Genome position (GRCh38, 1-based): chr6:129,505,308, T duplicated. VCF-style (leftmost placement, unchanged base first): chr6-129505307-G-GT. GRCh37 (hg19) VCF-style: chr6-129826452-G-GT.
Other names: c.8644dup, p.Tyr2882fs (NM_001079823.2); short protein forms Y2882fs, Y2886fs.
Identifiers: ClinVar variation 5006966 (VCV005006966.2).
Genomic context (GRCh38, chr6:129,505,307, plus strand): 5'-GGCTTCCAACAGAACCATCAGTCCCAAAAAAGCCGACATCCTGGATGTCGTGGGAATGCT[G>GT]TATGTTGGTGGGTTACCCATCAACTACACTACCCGAAGAATTGGTCCAGTAAATATCTGA-3'

ClinVar aggregate classification (germline): Likely pathogenic (1 of 4 stars; one submission).

Conditions:
Muscular dystrophy, limb-girdle, autosomal recessive 23. Identifiers: Orphanet 565837, MedGen C4748327, MONDO:0029136, OMIM 618138.
Merosin deficient congenital muscular dystrophy (MDC1A). Also called: Congenital merosin-deficient muscular dystrophy 1A; Congenital Muscular Dystrophy Type 1A (MDC1A). Identifiers: Orphanet 258, MedGen C1263858, MONDO:0011925, OMIM 607855.

Submission:

Juno Genomics, Hangzhou Juno Genomics, Inc
Classification: Likely pathogenic for Merosin deficient congenital muscular dystrophy; Muscular dystrophy, limb-girdle, autosomal recessive 23. Review status: criteria provided, single submitter. Criteria: ACMG Guidelines, 2015. Collection method: clinical testing. Allele origin: germline.
Comment: Null variant in a gene where loss of function (LOF) is a known mechanism of disease.;Absent from controls (or at extremely low frequency if recessive) in Genome Aggregation Database.